The following is an entry in ClinVar:

NM_001378457.1(DMXL2):c.7567G>A (p.Val2523Ile)

Gene: DMXL2 (Dmx like 2; minus strand). Cytogenetic location: 15q21.2.
Variant type: single nucleotide variant.
Coding change: c.7567G>A on transcript NM_001378457.1 (MANE Select); coding-DNA position 7567, G replaced by A.
Protein change: p.Val2523Ile; replaces valine 2523 with isoleucine.
Molecular consequence: missense variant. On other transcripts: non-coding transcript variant (2), intron variant (1).
Genome position (GRCh38, 1-based): chr15:51,465,605, C>T on the plus strand (G>A on the coding strand, the complement: DMXL2 is on the minus strand). VCF-style: chr15-51465605-C-T. GRCh37 (hg19) VCF-style: chr15-51757802-C-T.
Other names: c.7567G>A, p.Val2523Ile (NM_001174116.3, NM_001378461.1, NM_001378463.1); c.5656G>A, p.Val1886Ile (NM_001174117.3); c.7564G>A, p.Val2522Ile (NM_001378458.1, NM_001378462.1, NM_015263.5); c.5545G>A, p.Val1849Ile (NM_001378460.1); c.7324G>A, p.Val2442Ile (NM_001378464.1); c.7520+579G>A (NM_001378459.1); c.7567G>A (NM_001174116.1); short protein forms V2442I, V2523I, V1886I, V1849I, V2522I.
Identifiers: ClinVar variation 2176812 (VCV002176812.3), dbSNP rs372941364, ClinGen allele CA7561278.

ClinVar aggregate classification (germline): Uncertain significance. Review status: criteria provided, multiple submitters, no conflicts (2 of 4 stars). 2 submissions from 2 submitters: Uncertain significance (2). Last evaluated 2025-02-13.

Conditions:
Inborn genetic diseases. Identifiers: MedGen C0950123, MeSH D030342.

Allele frequency attached by ClinVar (database versions not stated): gnomAD exomes 0.00001; ExAC 0.00003; gnomAD 0.00003; TOPMed 0.00003; ESP Exome Variant Server 0.00008.
gnomAD v4.1: 22 of 1,607,796 alleles (0.0014%); highest among the groups gnomAD compares: Admixed American, 0.015%; no homozygotes.

Submissions (2):

Ambry Genetics
Classification: Uncertain significance for Inborn genetic diseases. Last evaluated: 2025-02-13. Review status: criteria provided, single submitter. Criteria: Ambry Variant Classification Scheme 2023. Collection method: clinical testing. Allele origin: germline.

Labcorp Genetics (formerly Invitae), Labcorp
Classification: Uncertain significance. Last evaluated: 2025-01-06. Review status: criteria provided, single submitter. Criteria: Invitae Variant Classification Sherloc (09022015). Collection method: clinical testing. Allele origin: germline.
Comment: This sequence change replaces valine, which is neutral and non-polar, with isoleucine, which is neutral and non-polar, at codon 2523 of the DMXL2 protein (p.Val2523Ile). This variant is present in population databases (rs372941364, gnomAD 0.02%). This variant has not been reported in the literature in individuals affected with DMXL2-related conditions. ClinVar contains an entry for this variant (Variation ID: 2176812). An algorithm developed to predict the effect of missense changes on protein structure and function outputs the following: PolyPhen-2: "Benign". The isoleucine amino acid residue is found in multiple mammalian species, which suggests that this missense change does not adversely affect protein function. In summary, the available evidence is currently insufficient to determine the role of this variant in disease. Therefore, it has been classified as a Variant of Uncertain Significance.